The following is an entry in ClinVar:

ClinVar aggregate classification (germline): Pathogenic (1 of 4 stars; one submission).

Conditions:
Microcephaly 5, primary, autosomal recessive (MCPH5). Also called: ASPM Primary Microcephaly. Identifiers: Orphanet 2512, MedGen C1837501, MONDO:0012106, OMIM 608716.

Submission:

Juno Genomics, Hangzhou Juno Genomics, Inc
Classification: Pathogenic for Microcephaly 5, primary, autosomal recessive. Review status: criteria provided, single submitter. Criteria: ACMG Guidelines, 2015. Collection method: clinical testing. Allele origin: germline.
Comment: Absent from controls (or at extremely low frequency if recessive) in Genome Aggregation Database.;Null variant in a gene where loss of function (LOF) is a known mechanism of disease.;For recessive disorders, detected in trans with a pathogenic variant.

NM_018136.5(ASPM):c.9033G>A (p.Trp3011Ter)

Gene: ASPM (assembly factor for spindle microtubules; minus strand). Cytogenetic location: 1q31.3.
Variant type: single nucleotide variant.
Coding change: c.9033G>A on transcript NM_018136.5 (MANE Select); coding-DNA position 9033, G replaced by A.
Protein change: p.Trp3011Ter; replaces tryptophan 3011 with a stop codon.
Molecular consequence: nonsense.
Genome position (GRCh38, 1-based): chr1:197,094,135, C>T on the plus strand (G>A on the coding strand, the complement: ASPM is on the minus strand). VCF-style: chr1-197094135-C-T. GRCh37 (hg19) VCF-style: chr1-197063265-C-T.
Other names: c.4278G>A, p.Trp1426Ter (NM_001206846.2); short protein forms W1426*, W3011*.
Identifiers: ClinVar variation 5005463 (VCV005005463.2).
Genomic context (GRCh38, chr1:197,094,135, plus strand): 5'-AATACCTACTTTTATCATTAAGAAGTGTTCATGAGCTATCTTTGCAGGAAGTATAGCTCT[C>T]CATTTTCTCTGAATGATAATTGCTGATGCTCTCACATTCAAAAACCTAAAAAGTAGTTAT-3'